The following is an entry in ClinVar:

NM_014339.7(IL17RA):c.1844C>T (p.Thr615Ile)

Gene: IL17RA (interleukin 17 receptor A; plus strand). Cytogenetic location: 22q11.1.
Variant type: single nucleotide variant.
Coding change: c.1844C>T on transcript NM_014339.7 (MANE Select); coding-DNA position 1844, C replaced by T.
Protein change: p.Thr615Ile; replaces threonine 615 with isoleucine.
Molecular consequence: missense variant.
Genome position (GRCh38, 1-based): chr22:17,109,063, C>T. VCF-style: chr22-17109063-C-T. GRCh37 (hg19) VCF-style: chr22-17589953-C-T.
Other names: c.1742C>T, p.Thr581Ile (NM_001289905.2); short protein forms T581I, T615I.
Identifiers: ClinVar variation 1370416 (VCV001370416.8), dbSNP rs779695692, ClinGen allele CA410219178.

ClinVar aggregate classification (germline): Uncertain significance (1 of 4 stars; one submission).

Conditions:
Immunodeficiency 51 (IMD51). Also called: CANDIDIASIS, FAMILIAL, 5. Identifiers: Orphanet 1334, MedGen C4310803, MONDO:0013500, OMIM 613953.

gnomAD v4.1: 1 of 1,586,860 alleles (0.000063%); highest among the groups gnomAD compares: Non-Finnish European, 0.000085%; no homozygotes.

Submission:

Labcorp Genetics (formerly Invitae), Labcorp
Classification: Uncertain significance for Immunodeficiency 51. Last evaluated: 2022-08-16. Review status: criteria provided, single submitter. Criteria: Invitae Variant Classification Sherloc (09022015). Collection method: clinical testing. Allele origin: germline.
Comment: In summary, the available evidence is currently insufficient to determine the role of this variant in disease. Therefore, it has been classified as a Variant of Uncertain Significance. Algorithms developed to predict the effect of missense changes on protein structure and function (SIFT, PolyPhen-2, Align-GVGD) all suggest that this variant is likely to be tolerated. ClinVar contains an entry for this variant (Variation ID: 1370416). This variant has not been reported in the literature in individuals affected with IL17RA-related conditions. The frequency data for this variant in the population databases is considered unreliable, as metrics indicate poor data quality at this position in the gnomAD database. This sequence change replaces threonine, which is neutral and polar, with isoleucine, which is neutral and non-polar, at codon 615 of the IL17RA protein (p.Thr615Ile).